The following is an entry in ClinVar:

ClinVar aggregate classification (germline): Uncertain significance (1 of 4 stars; one submission).

Conditions:
Bethlem myopathy 1A. Also called: MYOPATHY, BENIGN CONGENITAL, WITH CONTRACTURES; Bethlem myopathy 1; Bethlem Muscular Dystrophy. Identifiers: Orphanet 610, MedGen CN029274, MONDO:0024530, OMIM 158810.

Submission:

Labcorp Genetics (formerly Invitae), Labcorp
Classification: Uncertain significance for Bethlem myopathy 1A. Last evaluated: 2025-11-16. Review status: criteria provided, single submitter. Criteria: Invitae Variant Classification Sherloc (09022015). Collection method: clinical testing. Allele origin: germline.
Comment: This sequence change replaces glutamic acid, which is acidic and polar, with glycine, which is neutral and non-polar, at codon 536 of the COL6A2 protein (p.Glu536Gly). This variant is not present in population databases (gnomAD no frequency). This variant has not been reported in the literature in individuals affected with COL6A2-related conditions. An algorithm developed to predict the effect of missense changes on protein structure and function (PolyPhen-2) suggests that this variant is likely to be disruptive. Algorithms developed to predict the effect of sequence changes on RNA splicing suggest that this variant may disrupt the consensus splice site. In summary, the available evidence is currently insufficient to determine the role of this variant in disease. Therefore, it has been classified as a Variant of Uncertain Significance.

NM_001849.4(COL6A2):c.1607A>G (p.Glu536Gly)

Gene: COL6A2 (collagen type VI alpha 2 chain; plus strand). Cytogenetic location: 21q22.3.
Variant type: single nucleotide variant.
Coding change: c.1607A>G on transcript NM_001849.4 (MANE Select); coding-DNA position 1607, A replaced by G.
Protein change: p.Glu536Gly; replaces glutamic acid 536 with glycine.
Molecular consequence: missense variant.
Genome position (GRCh38, 1-based): chr21:46,122,530, A>G. VCF-style: chr21-46122530-A-G. GRCh37 (hg19) VCF-style: chr21-47542444-A-G.
Other names: c.1607A>G, p.Glu536Gly (NM_058174.3, NM_058175.3); short protein forms E536G.
Identifiers: ClinVar variation 4693296 (VCV004693296.1).
Genomic context (GRCh38, chr21:46,122,530, plus strand): 5'-CACCCTGGCTTCTGTTTGCTTCACAGGGAGAAAAAGGCGAGCCCGGCCCACGCGGCCCCG[A>G]GGTATGTGTGGGTCCTGGCCACCTGTGCCCACCCAGGGTGGGGGTCTGCACGCCCAATTG-3'
Protein context (NP_001840.3, residues 526-546): EKGEPGPRGP[Glu536Gly]GGRGDFGLKG